The following is an entry in ClinVar:

ClinVar aggregate classification (germline): Uncertain significance (1 of 4 stars; one submission).

Conditions:
Werner syndrome (WRN). Identifiers: Orphanet 902, MedGen C0043119, MONDO:0010196, OMIM 277700.

Allele frequency attached by ClinVar (database versions not stated): gnomAD exomes below 0.00001.
gnomAD v4.1: 2 of 1,613,674 alleles (0.00012%); highest among the groups gnomAD compares: African/African-American, 0.0013%; no homozygotes.

Submission:

Labcorp Genetics (formerly Invitae), Labcorp
Classification: Uncertain significance for Werner syndrome. Last evaluated: 2024-04-10. Review status: criteria provided, single submitter. Criteria: Invitae Variant Classification Sherloc (09022015). Collection method: clinical testing. Allele origin: germline.
Comment: This sequence change replaces alanine, which is neutral and non-polar, with threonine, which is neutral and polar, at codon 10 of the WRN protein (p.Ala10Thr). This variant is not present in population databases (gnomAD no frequency). This variant has not been reported in the literature in individuals affected with WRN-related conditions. ClinVar contains an entry for this variant (Variation ID: 2090594). An algorithm developed to predict the effect of missense changes on protein structure and function (PolyPhen-2) suggests that this variant is likely to be tolerated. In summary, the available evidence is currently insufficient to determine the role of this variant in disease. Therefore, it has been classified as a Variant of Uncertain Significance.

NM_000553.6(WRN):c.28G>A (p.Ala10Thr)

Gene: WRN (WRN RecQ like helicase; plus strand). Cytogenetic location: 8p12.
Variant type: single nucleotide variant.
Coding change: c.28G>A on transcript NM_000553.6 (MANE Select); coding-DNA position 28, G replaced by A.
Protein change: p.Ala10Thr; replaces alanine 10 with threonine.
Molecular consequence: missense variant.
Genome position (GRCh38, 1-based): chr8:31,058,475, G>A. VCF-style: chr8-31058475-G-A. GRCh37 (hg19) VCF-style: chr8-30915991-G-A.
Other names: short protein forms A10T.
Identifiers: ClinVar variation 2090594 (VCV002090594.3), dbSNP rs888468405, ClinGen allele CA370912058.